The following is an entry in ClinVar:

ClinVar aggregate classification (germline): Uncertain significance. Review status: criteria provided, multiple submitters, no conflicts (2 of 4 stars). 3 submissions from 3 submitters: Uncertain significance (3). Last evaluated 2025-08-09.

Conditions:
Hereditary cancer-predisposing syndrome. Also called: Tumor predisposition; Neoplastic Syndromes, Hereditary; Hereditary Cancer Syndrome; Hereditary neoplastic syndrome. Identifiers: Orphanet 140162, MedGen C0027672, MeSH D009386, MONDO:0015356.
Oligodontia-cancer predisposition syndrome. Also called: TOOTH AGENESIS-COLORECTAL CANCER SYNDROME. Identifiers: Orphanet 300576, MedGen C1837750, MONDO:0012075, OMIM 608615. Disease mechanism: loss of function.

Allele frequency attached by ClinVar (database versions not stated): gnomAD 0.00001; TOPMed 0.00001.

Submissions (3):

Ambry Genetics
Classification: Uncertain significance for Hereditary cancer-predisposing syndrome. Last evaluated: 2025-08-09. Review status: criteria provided, single submitter. Criteria: Ambry Variant Classification Scheme 2023. Collection method: clinical testing. Allele origin: germline.
Comment: The p.L447F variant (also known as c.1339C>T), located in coding exon 5 of the AXIN2 gene, results from a C to T substitution at nucleotide position 1339. The leucine at codon 447 is replaced by phenylalanine, an amino acid with highly similar properties. This amino acid position is conserved. In addition, the in silico prediction for this alteration is inconclusive. Since supporting evidence is limited at this time, the clinical significance of this alteration remains unclear.

Labcorp Genetics (formerly Invitae), Labcorp
Classification: Uncertain significance for Oligodontia-cancer predisposition syndrome. Last evaluated: 2024-04-08. Review status: criteria provided, single submitter. Criteria: Invitae Variant Classification Sherloc (09022015). Collection method: clinical testing. Allele origin: germline.
Comment: This sequence change replaces leucine, which is neutral and non-polar, with phenylalanine, which is neutral and non-polar, at codon 447 of the AXIN2 protein (p.Leu447Phe). This variant is not present in population databases (gnomAD no frequency). This variant has not been reported in the literature in individuals affected with AXIN2-related conditions. ClinVar contains an entry for this variant (Variation ID: 1307420). Advanced modeling of protein sequence and biophysical properties (such as structural, functional, and spatial information, amino acid conservation, physicochemical variation, residue mobility, and thermodynamic stability) performed at Invitae indicates that this missense variant is not expected to disrupt AXIN2 protein function with a negative predictive value of 80%. In summary, the available evidence is currently insufficient to determine the role of this variant in disease. Therefore, it has been classified as a Variant of Uncertain Significance.

GeneDx
Classification: Uncertain significance. Last evaluated: 2023-05-08. Review status: criteria provided, single submitter. Criteria: GeneDx Variant Classification Process June 2021. Collection method: clinical testing. Allele origin: germline. Affected: yes.
Comment: Not observed at significant frequency in large population cohorts (gnomAD); In silico analysis supports that this missense variant does not alter protein structure/function; Has not been previously published as pathogenic or benign to our knowledge

NM_004655.4(AXIN2):c.1339C>T (p.Leu447Phe)

Gene: AXIN2 (axin 2; minus strand). Cytogenetic location: 17q24.1.
Variant type: single nucleotide variant.
Coding change: c.1339C>T on transcript NM_004655.4 (MANE Select); coding-DNA position 1339, C replaced by T.
Protein change: p.Leu447Phe; replaces leucine 447 with phenylalanine.
Molecular consequence: missense variant.
Genome position (GRCh38, 1-based): chr17:65,537,697, G>A on the plus strand (C>T on the coding strand, the complement: AXIN2 is on the minus strand). VCF-style: chr17-65537697-G-A. GRCh37 (hg19) VCF-style: chr17-63533815-G-A.
Other names: c.1339C>T, p.Leu447Phe (NM_001363813.1); short protein forms L447F.
Identifiers: ClinVar variation 1307420 (VCV001307420.13), dbSNP rs1363731706, ClinGen allele CA400677695.
Genomic context (GRCh38, chr17:65,537,697, plus strand): 5'-GGGAGCGGGAGCGGGGGCTATAGCGGCCTACGCCTGGAGACTGGCAGCCAGGGGTCTTGA[G>A]GACCCTGGACAGGTGATCGTCCAGTATCGTCTGCGGGTCTTCCTCGTAGCTGCCGGAGGG-3'
Protein context (NP_004646.3, residues 437-457): TILDDHLSRV[Leu447Phe]KTPGCQSPGV